The following is an entry in ClinVar:

NM_000152.5(GAA):c.2040+20_2190-274del

Gene: GAA (alpha glucosidase; plus strand). Cytogenetic location: 17q25.3.
Variant type: Deletion.
Coding change: c.2040+20_2190-274del on transcript NM_000152.5 (MANE Select); 20 bases into the intron after coding-DNA position 2040 through 274 bases into the intron before coding-DNA position 2190, 3,648 bases deleted.
Molecular consequence: splice acceptor variant, splice donor variant.
Genome position (GRCh38, 1-based): chr17:80,113,047-80,116,694, 3,648 bases deleted. GRCh37 (hg19): chr17:78,086,846-78,090,493.
Other names: c.2040+20_2190-274del (NM_001406741.1, NM_001406742.1, NM_001079803.3 and 1 more transcripts).
Identifiers: ClinVar variation 3895690 (VCV003895690.1).

ClinVar aggregate classification (germline): Pathogenic (1 of 4 stars; one submission).

Conditions:
Glycogen storage disease, type II (IOPD). Also called: POMPE DISEASE, INFANTILE-ONSET; GLYCOGEN STORAGE DISEASE II, INFANTILE-ONSET; ACID ALPHA-GLUCOSIDASE DEFICIENCY, INFANTILE-ONSET; GAA DEFICIENCY, INFANTILE-ONSET; ACID MALTASE DEFICIENCY, INFANTILE-ONSET; CARDIOMEGALIA GLYCOGENICA DIFFUSA. Identifiers: Orphanet 365, MedGen C0017921, MONDO:0009290, OMIM 232300.

Submission:

Women's Health and Genetics/Laboratory Corporation of America, LabCorp
Classification: Pathogenic for Glycogen storage disease, type II. Last evaluated: 2025-03-12. Review status: criteria provided, single submitter. Criteria: LabCorp Variant Classification Summary - May 2015. Collection method: clinical testing. Allele origin: germline.
Comment: Variant summary: The variant involves the deletion of exon 15 in the GAA gene. A presumed nomenclature of c.2040+20_2190-274del3648 has been designated for the purposes of this classification. This Copy Number Variant (CNV) is expected to alter the reading frame and predicted to result in a truncation or absence of the encoded protein due to nonsense mediated decay (NMD). The variant was absent in 21694 control chromosomes (gnomAD, structural variants dataset). A similar variant, reported as c.2040+29_2190-270del, which is also expected to result in the deletion of exon 15, has been reported in the literature in at least one individual affected with Glycogen Storage Disease, Type 2 (Pompe Disease) (e.g. Gupta_2019). These data indicate that the variant is likely associated with disease. The following publication has been ascertained in the context of this evaluation (PMID: 31606152). ClinVar contains an entry for this variant (Variation ID: 3242829). Based on the evidence outlined above, the variant was classified as pathogenic.

Literature cited by the submitters: PubMed 31606152.